The following is an entry in ClinVar:

ClinVar aggregate classification (germline): Likely pathogenic (1 of 4 stars; one submission).

Conditions:
Nemaline myopathy 2 (NEM2). Also called: Nemaline myopathy 2, autosomal recessive. Identifiers: MedGen C1850569, MONDO:0009725, OMIM 256030.

Submission:

Labcorp Genetics (formerly Invitae), Labcorp
Classification: Likely pathogenic for Nemaline myopathy 2. Last evaluated: 2023-08-21. Review status: criteria provided, single submitter. Criteria: Invitae Variant Classification Sherloc (09022015). Collection method: clinical testing. Allele origin: germline.
Comment: This variant occurs in a region of NEB (Exons 82-105) consisting of three highly homologous 8-exon repeat units (exons 82-89, exons 90-97, exons 98-105). Sequence variants in this region can be detected, but this assay cannot determine which of the three repeat units is affected, and zygosity is often ambiguous. All variants in this region are reported relative to the exon 82-89 repeat. This sequence change affects an acceptor splice site in intron 81 of the NEB gene. It is expected to disrupt RNA splicing. Variants that disrupt the donor or acceptor splice site typically lead to a loss of protein function (PMID: 16199547), and loss-of-function variants in NEB are known to be pathogenic (PMID: 25205138). The frequency data for this variant in the population databases (gnomAD) is considered unreliable due to the presence of homologous sequence, such as pseudogenes or paralogs, in the genome. This variant has not been reported in the literature in individuals affected with NEB-related conditions. ClinVar contains an entry for this variant (Variation ID: 1347600). Algorithms developed to predict the effect of sequence changes on RNA splicing suggest that this variant may disrupt the consensus splice site. In summary, the currently available evidence indicates that the variant is pathogenic, but additional data are needed to prove that conclusively. Therefore, this variant has been classified as Likely Pathogenic.

Literature cited by the submitters: PubMed 16199547; PubMed 25205138.

NM_001164508.2(NEB):c.12331-1G>A

Gene: NEB (nebulin; minus strand). Cytogenetic location: 2q23.3.
Variant type: single nucleotide variant.
Coding change: c.12331-1G>A on transcript NM_001164508.2 (MANE Select); the canonical splice acceptor site of the intron before coding-DNA position 12331, G replaced by A.
Molecular consequence: splice acceptor variant. On other transcripts: intron variant (1).
Genome position (GRCh38, 1-based): chr2:151,608,677, C>T on the plus strand (G>A on the coding strand, the complement: NEB is on the minus strand). VCF-style: chr2-151608677-C-T. GRCh37 (hg19) VCF-style: chr2-152465191-C-T.
Other names: c.11601+1132G>A (NM_004543.5); c.12331-1G>A (NM_001164507.2, NM_001271208.2).
Identifiers: ClinVar variation 1347600 (VCV001347600.6), dbSNP rs2097775442, ClinGen allele CA348776362.